The following is an entry in ClinVar:

NM_000059.4(BRCA2):c.6638del (p.Ser2213fs)

Gene: BRCA2 (BRCA2 DNA repair associated; plus strand). Cytogenetic location: 13q13.1.
Variant type: Deletion.
Coding change: c.6638del on transcript NM_000059.4 (MANE Select); coding-DNA position 6638, one base deleted (C; older notation c.6638delC).
Protein change: p.Ser2213fs; shifts the reading frame from serine 2213.
Molecular consequence: frameshift variant.
Genome position (GRCh38, 1-based): chr13:32,340,993, C deleted. VCF-style (leftmost placement, unchanged base first): chr13-32340992-TC-T. GRCh37 (hg19) VCF-style: chr13-32915129-TC-T.
Other names: 6866delC; c.6638delC (NM_000059.3); short protein forms S2213fs.
Identifiers: ClinVar variation 52143 (VCV000052143.4), dbSNP rs80359612, ClinGen allele CA024238.

ClinVar aggregate classification (germline): Pathogenic. Review status: reviewed by expert panel (3 of 4 stars). 2 submissions from 2 submitters: Pathogenic (1). 1 of the submissions does not count toward it. Last evaluated 2016-09-08.

Conditions:
Breast-ovarian cancer, familial, susceptibility to, 2 (BROVCA2). Also called: BRCA2 Hereditary Breast and Ovarian Cancer. Identifiers: Orphanet 145, MedGen C2675520, MONDO:0012933, OMIM 612555. Disease mechanism: loss of function.

Submissions (2):

Evidence-based Network for the Interpretation of Germline Mutant Alleles (ENIGMA)
Classification: Pathogenic for Breast-ovarian cancer, familial, susceptibility to, 2. Last evaluated: 2016-09-08. Review status: reviewed by expert panel. Criteria: ENIGMA BRCA1/2 Classification Criteria (2015). Collection method: curation. Allele origin: germline.
Comment: Variant allele predicted to encode a truncated non-functional protein.

Breast Cancer Information Core (BIC) (BRCA2)
Classification: Pathogenic for Breast-ovarian cancer, familial 2. Last evaluated: 2005-09-27. Review status: no assertion criteria provided. Collection method: clinical testing. Allele origin: germline. Affected: yes. Observed: 2 variant alleles. Not counted in ClinVar's aggregate classification.

Literature cited by the submitters: PubMed 11748848 (cited by Breast Cancer Information Core (BIC) (BRCA2)).